The following is an entry in ClinVar:

ClinVar aggregate classification (germline): Uncertain significance. Review status: criteria provided, multiple submitters, no conflicts (2 of 4 stars). 6 submissions from 6 submitters: Uncertain significance (6). Last evaluated 2025-06-09.

Conditions:
KIF7-related disorder. Also called: KIF7-related condition.
Acrocallosal syndrome (ACLS). Also called: HALLUX DUPLICATION, POSTAXIAL POLYDACTYLY, AND ABSENCE OF CORPUS CALLOSUM; Schinzel syndrome 1; Absence of corpus callosum with unusual facial appearance, mental deficiency, duplication of the halluces and polydactyly. Identifiers: Orphanet 36, MedGen C0796147, MONDO:0008708, OMIM 200990.
Hydrolethalus syndrome 2 (HLS2). Identifiers: Orphanet 2189, MedGen C3279899, MONDO:0013585, OMIM 614120.
Multiple epiphyseal dysplasia, Al-Gazali type. Also called: Macrocephaly with multiple epiphyseal dysplasia and distinctive facies. Identifiers: Orphanet 166024, MedGen C1846722, MONDO:0011778, OMIM 607131.

Allele frequency attached by ClinVar (database versions not stated): gnomAD exomes 0.00006; ExAC 0.00007; gnomAD 0.00020 and 0.00024; TOPMed 0.00030; ESP Exome Variant Server 0.00031.

Submissions (6):

GeneDx
Classification: Uncertain significance. Last evaluated: 2025-06-09. Review status: criteria provided, single submitter. Criteria: GeneDx Variant Classification Process June 2021. Collection method: clinical testing. Allele origin: germline. Affected: yes.
Comment: In silico analysis suggests that this missense variant does not alter protein structure/function; Has not been previously published as pathogenic or benign to our knowledge

PreventionGenetics, part of Exact Sciences
Classification: Uncertain significance for KIF7-related condition. Last evaluated: 2025-03-15. Review status: criteria provided, single submitter. Criteria: ACMG Guidelines, 2015. Collection method: clinical testing. Allele origin: germline.
Comment: The KIF7 c.3797G>A variant is predicted to result in the amino acid substitution p.Arg1266Gln. To our knowledge, this variant has not been reported in the literature. This variant is reported in 0.073% of alleles in individuals of African descent in gnomAD. Although we suspect that this variant may be benign, at this time, the clinical significance of this variant is uncertain due to the absence of conclusive functional and genetic evidence.

Fulgent Genetics
Classification: Uncertain significance for Acrocallosal syndrome; Multiple epiphyseal dysplasia, Al-Gazali type; Hydrolethalus syndrome 2. Last evaluated: 2024-05-30. Review status: criteria provided, single submitter. Criteria: ACMG Guidelines, 2015. Collection method: clinical testing. Allele origin: germline.

Blueprint Genetics
Classification: Uncertain significance. Last evaluated: 2023-12-27. Review status: criteria provided, single submitter. Criteria: ACMG Guidelines, 2015. Collection method: clinical testing. Allele origin: germline.

Genetic Services Laboratory, University of Chicago
Classification: Uncertain significance. Last evaluated: 2023-05-17. Review status: criteria provided, single submitter. Criteria: ACMG Guidelines, 2015. Collection method: clinical testing. Allele origin: germline. Affected: no.
Comment: DNA sequence analysis of the KIF7 gene demonstrated a sequence change, c.3797G>A, in exon 19 that results in an amino acid change, p.Arg1266Gln. This sequence change has been described in the gnomAD database with a frequency of 0.073% in the African/African American subpopulation (dbSNP rs144301755). The p.Arg1266Gln change affects a highly conserved amino acid residue located in a domain of the KIF7 protein that is not known to be functional. In-silico pathogenicity prediction tools (SIFT, PolyPhen2, Align GVGD, REVEL) provide contradictory results for the p.Arg1266Gln substitution. This sequence change does not appear to have been previously described in individuals with KIF7-related disorders. Due to insufficient evidence and the lack of functional studies, the clinical significance of the p.Arg1266Gln change remains unknown at this time.

Labcorp Genetics (formerly Invitae), Labcorp
Classification: Uncertain significance for Acrocallosal syndrome. Last evaluated: 2022-09-27. Review status: criteria provided, single submitter. Criteria: Invitae Variant Classification Sherloc (09022015). Collection method: clinical testing. Allele origin: germline.
Comment: This sequence change replaces arginine, which is basic and polar, with glutamine, which is neutral and polar, at codon 1266 of the KIF7 protein (p.Arg1266Gln). This variant is present in population databases (rs144301755, gnomAD 0.07%). This variant has not been reported in the literature in individuals affected with KIF7-related conditions. ClinVar contains an entry for this variant (Variation ID: 1192044). Advanced modeling of protein sequence and biophysical properties (such as structural, functional, and spatial information, amino acid conservation, physicochemical variation, residue mobility, and thermodynamic stability) performed at Invitae indicates that this missense variant is not expected to disrupt KIF7 protein function. In summary, the available evidence is currently insufficient to determine the role of this variant in disease. Therefore, it has been classified as a Variant of Uncertain Significance.

NM_198525.3(KIF7):c.3797G>A (p.Arg1266Gln)

Gene: KIF7 (kinesin family member 7; minus strand). Cytogenetic location: 15q26.1.
Variant type: single nucleotide variant.
Coding change: c.3797G>A on transcript NM_198525.3 (MANE Select); coding-DNA position 3797, G replaced by A.
Protein change: p.Arg1266Gln; replaces arginine 1266 with glutamine.
Molecular consequence: missense variant.
Genome position (GRCh38, 1-based): chr15:89,628,654, C>T on the plus strand (G>A on the coding strand, the complement: KIF7 is on the minus strand). VCF-style: chr15-89628654-C-T. GRCh37 (hg19) VCF-style: chr15-90171885-C-T.
Other names: short protein forms R1266Q.
Identifiers: ClinVar variation 1192044 (VCV001192044.15), dbSNP rs144301755, ClinGen allele CA7727524.